The following is an entry in ClinVar:

ClinVar aggregate classification (germline): Pathogenic/Likely pathogenic. Review status: criteria provided, multiple submitters, no conflicts (2 of 4 stars). 4 submissions from 4 submitters: Pathogenic (2); Likely pathogenic (2). Last evaluated 2026-01-20.

Conditions:
Mucopolysaccharidosis, MPS-IV-A (MPS4A). Also called: Mucopolysaccharidosis type IV A; Mucopolysaccharidosis Type IVA; Morquio syndrome A, mild; MORQUIO SYNDROME A; MPS IVA; mucopolysaccharidosis type 4A. Identifiers: Orphanet 309297, Orphanet 582, MedGen C0086651, MONDO:0009659, OMIM 253000.
Morquio syndrome. Also called: Mucopolysaccharidosis, Type IV; MPS IV; Mucopolysaccharidosis type 4; Eccentrochondrodysplasia. Identifiers: Orphanet 582, MedGen C0026707, MONDO:0018938.

Allele frequency attached by ClinVar (database versions not stated): gnomAD exomes below 0.00001 and 0.00001; gnomAD 0.00001; TOPMed 0.00001.
gnomAD v4.1: 15 of 1,601,908 alleles (0.00094%); highest among the groups gnomAD compares: African/African-American, 0.0027%; no homozygotes.

Submissions (4):

Labcorp Genetics (formerly Invitae), Labcorp
Classification: Pathogenic for Mucopolysaccharidosis, MPS-IV-A. Last evaluated: 2026-01-20. Review status: criteria provided, single submitter. Criteria: Invitae Variant Classification Sherloc (09022015). Collection method: clinical testing. Allele origin: germline.
Comment: This sequence change replaces glycine, which is neutral and non-polar, with serine, which is neutral and polar, at codon 290 of the GALNS protein (p.Gly290Ser). The frequency data for this variant in the population databases is considered unreliable, as metrics indicate poor data quality at this position in the gnomAD database. This missense change has been observed in individual(s) with mucopolysaccharidosis type IVA (PMID: 20574428, 24035930). In at least one individual the data is consistent with being in trans (on the opposite chromosome) from a pathogenic variant. ClinVar contains an entry for this variant (Variation ID: 1048428). Invitae Evidence Modeling of protein sequence and biophysical properties (such as structural, functional, and spatial information, amino acid conservation, physicochemical variation, residue mobility, and thermodynamic stability) indicates that this missense variant is expected to disrupt GALNS protein function with a positive predictive value of 95%. Experimental studies have shown that this missense change affects GALNS function (PMID: 9375852). For these reasons, this variant has been classified as Pathogenic.

Fulgent Genetics
Classification: Likely pathogenic for Mucopolysaccharidosis, MPS-IV-A. Last evaluated: 2024-03-23. Review status: criteria provided, single submitter. Criteria: ACMG Guidelines, 2015. Collection method: clinical testing. Allele origin: germline.

Women's Health and Genetics/Laboratory Corporation of America, LabCorp
Classification: Pathogenic for Morquio syndrome. Last evaluated: 2022-06-07. Review status: criteria provided, single submitter. Criteria: LabCorp Variant Classification Summary - May 2015. Collection method: clinical testing. Allele origin: germline.
Comment: Variant summary: GALNS c.868G>A (p.Gly290Ser) results in a non-conservative amino acid change located in the Sulfatase, N-terminal domain of the encoded protein sequence. Five of five in-silico tools predict a damaging effect of the variant on protein function. The variant allele was found at a frequency of 4.3e-06 in 231084 control chromosomes (gnomAD). c.868G>A has been reported in the literature in multiple compound heterozygous individuals affected with Mucopolysaccharidosis Type IVA (Morquio Syndrome A), often with a severe phenotype (example Tomatsu_1997, Wang_2010, He_2013, Zanetti_2019). These data indicate that the variant is likely to be associated with disease. At least one publication reports experimental evidence evaluating an impact on protein function. When expressed in GALN-deficient fibroblasts, the G290S variant protein shows a nearly complete loss of activity, strongly suggesting it impairs enzyme function (Tomatsu_1997). In addition, other missense substitutions at this codon (G290R, G290D) have been reported in individuals affected with Mucopolysaccharidosis IVA in HGMD database, indicating this residue is critical for GALNS protein function. One research institute has submitted an assessment for this variant to ClinVar after 2014 and classified it as likely pathogenic. Based on the evidence outlined above, the variant was classified as pathogenic.

Laboratory of Diagnosis and Therapy of Lysosomal Disorders, University of Padova
Classification: Likely pathogenic for Mucopolysaccharidosis, MPS-IV-A. Last evaluated: 2021-02-01. Review status: criteria provided, single submitter. Criteria: ACMG Guidelines, 2015. Collection method: research. Allele origin: germline. Affected: yes.
Comment: In vitro functional studies supportive of a damaging effect on the gene product (low in vitro enzymatic activity; PS3_supporting); the prevalence of the variant in affected individuals is significantly increased compared with the prevalence in controls (PS4_strong); very low frequency in gnomAD v2.1.1 (PM2_moderate); multiple lines of computational evidence support a deleterious effect on the gene (PP3_supporting)

Literature cited by the submitters: PubMed 20574428 (cited by 3 submitters); PubMed 24035930 (cited by 3 submitters); PubMed 9375852 (cited by Labcorp Genetics (formerly Invitae), Labcorp and Women's Health and Genetics/Laboratory Corporation of America, LabCorp); PubMed 30809705 (cited by Women's Health and Genetics/Laboratory Corporation of America, LabCorp and Laboratory of Diagnosis and Therapy of Lysosomal Disorders, University of Padova); PubMed 16287098 (cited by Laboratory of Diagnosis and Therapy of Lysosomal Disorders, University of Padova); PubMed 34387910 (cited by Laboratory of Diagnosis and Therapy of Lysosomal Disorders, University of Padova).

NM_000512.5(GALNS):c.868G>A (p.Gly290Ser)

Gene: GALNS (galactosamine (N-acetyl)-6-sulfatase; minus strand). Cytogenetic location: 16q24.3.
Variant type: single nucleotide variant.
Coding change: c.868G>A on transcript NM_000512.5 (MANE Select); coding-DNA position 868, G replaced by A.
Protein change: p.Gly290Ser; replaces glycine 290 with serine.
Molecular consequence: missense variant.
Genome position (GRCh38, 1-based): chr16:88,835,243, C>T on the plus strand (G>A on the coding strand, the complement: GALNS is on the minus strand). VCF-style: chr16-88835243-C-T. GRCh37 (hg19) VCF-style: chr16-88901651-C-T.
Other names: c.868G>A (NM_000512.4); c.313G>A, p.Gly105Ser (NM_001323543.2); c.886G>A, p.Gly296Ser (NM_001323544.2); short protein forms G105S, G290S, G296S.
Identifiers: ClinVar variation 1048428 (VCV001048428.8), dbSNP rs975409254, ClinGen allele CA286402456.